The following is an entry in ClinVar:

ClinVar aggregate classification (germline): Uncertain significance (1 of 4 stars; one submission).

Submission:

Labcorp Genetics (formerly Invitae), Labcorp
Classification: Uncertain significance. Last evaluated: 2022-11-01. Review status: criteria provided, single submitter. Criteria: Invitae Variant Classification Sherloc (09022015). Collection method: clinical testing. Allele origin: germline.
Comment: This variant, c.406_483del, results in the deletion of 26 amino acid(s) of the PCNT protein (p.Gly136_Val161del), but otherwise preserves the integrity of the reading frame. This variant is not present in population databases (gnomAD no frequency). This variant has not been reported in the literature in individuals affected with PCNT-related conditions. ClinVar contains an entry for this variant (Variation ID: 1497647). Experimental studies and prediction algorithms are not available or were not evaluated, and the functional significance of this variant is currently unknown. In summary, the available evidence is currently insufficient to determine the role of this variant in disease. Therefore, it has been classified as a Variant of Uncertain Significance.

NM_006031.6(PCNT):c.406_483del (p.Gly136_Val161del)

Gene: PCNT (pericentrin; plus strand). Cytogenetic location: 21q22.3.
Variant type: Deletion.
Coding change: c.406_483del on transcript NM_006031.6 (MANE Select); coding-DNA positions 406 to 483, 78 bases deleted.
Protein change: p.Gly136_Val161del.
Molecular consequence: inframe deletion. On other transcripts: initiator codon variant (1).
Genome position (GRCh38, 1-based): chr21:46,334,535-46,334,612, 78 bases deleted. GRCh37 (hg19): chr21:47,754,449-47,754,526.
Other names: c.52_129del, p.Gly18_Val43del (NM_001315529.2).
Identifiers: ClinVar variation 1497647 (VCV001497647.4), dbSNP rs2146357648, ClinGen allele CA2573157740.